The following is an entry in ClinVar:

NM_000435.3(NOTCH3):c.1303T>C (p.Cys435Arg)

Gene: NOTCH3 (notch receptor 3; minus strand). Cytogenetic location: 19p13.12.
Variant type: single nucleotide variant.
Coding change: c.1303T>C on transcript NM_000435.3 (MANE Select); coding-DNA position 1303, T replaced by C.
Protein change: p.Cys435Arg; replaces cysteine 435 with arginine.
Molecular consequence: missense variant.
Genome position (GRCh38, 1-based): chr19:15,189,064, A>G on the plus strand (T>C on the coding strand, the complement: NOTCH3 is on the minus strand). VCF-style: chr19-15189064-A-G. GRCh37 (hg19) VCF-style: chr19-15299875-A-G.
Other names: short protein forms C435R.
Identifiers: ClinVar variation 1709399 (VCV001709399.5), dbSNP rs2512661234, ClinGen allele CA404527950.

ClinVar aggregate classification (germline): Conflicting classifications of pathogenicity. Review status: criteria provided, conflicting classifications (1 of 4 stars). 2 submissions from 2 submitters: Pathogenic (1); Uncertain significance (1). Last evaluated 2023-09-11.

Conditions:
Cerebral arteriopathy, autosomal dominant, with subcortical infarcts and leukoencephalopathy, type 1 (CADASIL1). Also called: Cerebral arteriopathy with subcortical infarcts and leukoencephalopathy 1; CASIL; DEMENTIA, HEREDITARY MULTIINFARCT TYPE; CADASIL 1. Identifiers: Orphanet 136, MedGen C4551768, MONDO:0000914, OMIM 125310.

Submissions (2):

Labcorp Genetics (formerly Invitae), Labcorp
Classification: Uncertain significance. Last evaluated: 2023-09-11. Review status: criteria provided, single submitter. Criteria: Invitae Variant Classification Sherloc (09022015). Collection method: clinical testing. Allele origin: germline.
Comment: In summary, the available evidence is currently insufficient to determine the role of this variant in disease. Therefore, it has been classified as a Variant of Uncertain Significance. This sequence change replaces cysteine, which is neutral and slightly polar, with arginine, which is basic and polar, at codon 435 of the NOTCH3 protein (p.Cys435Arg). Advanced modeling of protein sequence and biophysical properties (such as structural, functional, and spatial information, amino acid conservation, physicochemical variation, residue mobility, and thermodynamic stability) performed at Invitae indicates that this missense variant is expected to disrupt NOTCH3 protein function. ClinVar contains an entry for this variant (Variation ID: 1709399). This missense change has been observed in individual(s) with clinical features of NOTCH3-related conditions (PMID: 14710716). This variant is not present in population databases (gnomAD no frequency).

MGZ Medical Genetics Center
Classification: Pathogenic for Cerebral arteriopathy, autosomal dominant, with subcortical infarcts and leukoencephalopathy, type 1. Last evaluated: 2022-04-27. Review status: criteria provided, single submitter. Criteria: ACMG Guidelines, 2015. Collection method: clinical testing. Allele origin: germline. Affected: yes. Observed: 1 variant allele.
Comment: ACMG criteria applied: PM1_STR, PS4_MOD, PM5, PM2_SUP, PP2, PP3

Literature cited by the submitters: PubMed 14710716 (cited by Labcorp Genetics (formerly Invitae), Labcorp).